The following is an entry in ClinVar:

ClinVar aggregate classification (germline): Benign/Likely benign. Review status: criteria provided, multiple submitters, no conflicts (2 of 4 stars). 4 submissions from 4 submitters: Benign (2); Likely benign (1). 1 of the submissions does not count toward it. Last evaluated 2026-02-01.

Conditions:
3-methylglutaconic aciduria type 9. Also called: 3-METHYLGLUTACONIC ACIDURIA, TYPE IX. Identifiers: Orphanet 505216, MedGen C4540171, MONDO:0044724, OMIM 617698.
TIMM50-related disorder. Also called: TIMM50-related condition.

Allele frequency attached by ClinVar (database versions not stated): 1000 Genomes Project 0.01498; 1000 Genomes Project 30x 0.01733; gnomAD 0.01198; ESP Exome Variant Server 0.01169; TOPMed 0.01372.
gnomAD v4.1: 3,773 of 1,599,632 alleles (0.24%); highest among the groups gnomAD compares: African/African-American, 4.3%; 79 homozygotes.

Submissions (4):

Labcorp Genetics (formerly Invitae), Labcorp
Classification: Benign. Last evaluated: 2026-02-01. Review status: criteria provided, single submitter. Criteria: Invitae Variant Classification Sherloc (09022015). Collection method: clinical testing. Allele origin: germline.

Fulgent Genetics
Classification: Likely benign for 3-methylglutaconic aciduria type 9. Last evaluated: 2021-07-23. Review status: criteria provided, single submitter. Criteria: ACMG Guidelines, 2015. Collection method: clinical testing. Allele origin: unknown.

Breakthrough Genomics
Classification: Benign. Review status: criteria provided, single submitter. Criteria: ACMG Guidelines, 2015. Collection method: not provided. Allele origin: germline. Inheritance: Autosomal recessive inheritance. Affected: yes.

PreventionGenetics, part of Exact Sciences
Classification: Benign for TIMM50-related condition. Last evaluated: 2021-10-07. Review status: no assertion criteria provided. Collection method: clinical testing. Allele origin: germline. Not counted in ClinVar's aggregate classification.
Comment: This variant is classified as benign based on ACMG/AMP sequence variant interpretation guidelines (Richards et al. 2015 PMID: 25741868, with internal and published modifications).

NM_001001563.5(TIMM50):c.26C>G (p.Ser9Trp)

Gene: TIMM50 (translocase of inner mitochondrial membrane 50; plus strand). Cytogenetic location: 19q13.2.
Variant type: single nucleotide variant.
Coding change: c.26C>G on transcript NM_001001563.5 (MANE Select); coding-DNA position 26, C replaced by G.
Protein change: p.Ser9Trp; replaces serine 9 with tryptophan.
Molecular consequence: missense variant. On other transcripts: 5 prime UTR variant (1).
Genome position (GRCh38, 1-based): chr19:39,480,879, C>G. VCF-style: chr19-39480879-C-G. GRCh37 (hg19) VCF-style: chr19-39971519-C-G.
Other names: c.-255C>G (NM_001329559.2); short protein forms S9W.
Identifiers: ClinVar variation 780558 (VCV000780558.14), dbSNP rs35135520, ClinGen allele CA9431632.
Genomic context (GRCh38, chr19:39,480,879, plus strand): 5'-AGCGAGTGGGCGGGGCCGCGTGGCGTCAGCGCAAGATGGCGGCCTCGGCAGCGGTGTTCT[C>G]GCGCTTGCGAAGCGGGCTCCGGCTCGGCTCGCGGGGACTGTGCACGAGGTTGGCGACGCC-3'
Protein context (NP_001001563.2, residues 1-19): MAASAAVF[Ser9Trp]RLRSGLRLGS